The following is an entry in ClinVar:

ClinVar aggregate classification (germline): Likely pathogenic (1 of 4 stars; one submission).

Submission:

Labcorp Genetics (formerly Invitae), Labcorp
Classification: Likely pathogenic. Last evaluated: 2023-11-07. Review status: criteria provided, single submitter. Criteria: Invitae Variant Classification Sherloc (09022015). Collection method: clinical testing. Allele origin: germline.
Comment: This sequence change affects an acceptor splice site in intron 41 of the EYS gene. It is expected to disrupt RNA splicing. Variants that disrupt the donor or acceptor splice site typically lead to a loss of protein function (PMID: 16199547), and loss-of-function variants in EYS are known to be pathogenic (PMID: 18836446, 20333770). This variant is not present in population databases (gnomAD no frequency). This variant has not been reported in the literature in individuals affected with EYS-related conditions. Algorithms developed to predict the effect of sequence changes on RNA splicing suggest that this variant may disrupt the consensus splice site. In summary, the currently available evidence indicates that the variant is pathogenic, but additional data are needed to prove that conclusively. Therefore, this variant has been classified as Likely Pathogenic.

Literature cited by the submitters: PubMed 16199547; PubMed 18836446; PubMed 20333770.

NM_001142800.2(EYS):c.8072-1G>T

Gene: EYS (EGF-like photoreceptor maintenance factor; minus strand). Cytogenetic location: 6q12.
Variant type: single nucleotide variant.
Coding change: c.8072-1G>T on transcript NM_001142800.2 (MANE Select); the canonical splice acceptor site of the intron before coding-DNA position 8072, G replaced by T.
Molecular consequence: splice acceptor variant.
Genome position (GRCh38, 1-based): chr6:63,726,681, C>A on the plus strand (G>T on the coding strand, the complement: EYS is on the minus strand). VCF-style: chr6-63726681-C-A. GRCh37 (hg19) VCF-style: chr6-64436574-C-A.
Other names: c.8135-1G>T (NM_001292009.2).
Identifiers: ClinVar variation 2694020 (VCV002694020.3), dbSNP rs2533413293, ClinGen allele CA364386511.
Genomic context (GRCh38, chr6:63,726,681, plus strand): 5'-AAGCAAAAGACATCCAGGATAACTCATTGCTTCTGAAAGATGGATCACTTATGGATAAAG[C>A]TGAGGGAAGGAGAGAAAGAGAACTCTGGGAGTTATCTGCTGGATTAAAAAACATTGCTCA-3'